The following is an entry in ClinVar:

NM_004612.4(TGFBR1):c.618G>T (p.Val206=)

Gene: TGFBR1 (transforming growth factor beta receptor 1; plus strand). Cytogenetic location: 9q22.33.
Variant type: single nucleotide variant.
Coding change: c.618G>T on transcript NM_004612.4 (MANE Select); coding-DNA position 618, G replaced by T.
Protein change: p.Val206=; no amino-acid change (valine 206 retained).
Molecular consequence: synonymous variant.
Genome position (GRCh38, 1-based): chr9:99,137,902, G>T. VCF-style: chr9-99137902-G-T. GRCh37 (hg19) VCF-style: chr9-101900184-G-T.
Other names: c.387G>T, p.Val129= (NM_001130916.3); c.630G>T, p.Val210= (NM_001306210.2).
Identifiers: ClinVar variation 390105 (VCV000390105.15), dbSNP rs1057523644, ClinGen allele CA16605588.
Genomic context (GRCh38, chr9:99,137,902, plus strand): 5'-TTTATTTTTACCTTTAGGTTTACCATTGCTTGTTCAGAGAACAATTGCGAGAACTATTGT[G>T]TTACAAGAAAGCATTGGCAAAGGTCGATTTGGAGAAGTTTGGAGAGGAAAGTGGCGGGGA-3'
Protein context (NP_004603.1, residues 196-216): LVQRTIARTI[Val206=]LQESIGKGRF

ClinVar aggregate classification (germline): Likely benign. Review status: criteria provided, multiple submitters, no conflicts (2 of 4 stars). 5 submissions from 5 submitters: Likely benign (5). Last evaluated 2026-01-19.

Conditions:
Loeys-Dietz syndrome (LDS). Identifiers: Orphanet 60030, MedGen C2697932, MONDO:0018954.
Familial thoracic aortic aneurysm and aortic dissection (TAAD). Also called: Thoracic aortic aneurysms and dissections. Identifiers: Orphanet 91387, MedGen C4707243, MONDO:0019625.

Allele frequency attached by ClinVar (database versions not stated): gnomAD exomes below 0.00001 and 0.00001.
gnomAD v4.1: 22 of 1,614,012 alleles (0.0014%); highest among the groups gnomAD compares: Non-Finnish European, 0.0017%; no homozygotes.

Submissions (5):

Labcorp Genetics (formerly Invitae), Labcorp
Classification: Likely benign for Familial thoracic aortic aneurysm and aortic dissection. Last evaluated: 2026-01-19. Review status: criteria provided, single submitter. Criteria: Invitae Variant Classification Sherloc (09022015). Collection method: clinical testing. Allele origin: germline.

All of Us Research Program, National Institutes of Health
Classification: Likely benign for Loeys-Dietz syndrome. Last evaluated: 2023-11-02. Review status: criteria provided, single submitter. Criteria: ACMG Guidelines, 2015. Collection method: clinical testing. Allele origin: germline. Inheritance: Autosomal dominant inheritance. Observed: 5 variant alleles, 5 heterozygotes.
Comment: This study involves interpretation of variants in research participants for the purpose of population health screening. Participant phenotype was not available at the time of variant classification. Additional details can be found in publication PMID: 35346344, PMCID: PMC8962531

Ambry Genetics
Classification: Likely benign for Familial thoracic aortic aneurysm and aortic dissection. Last evaluated: 2023-04-03. Review status: criteria provided, single submitter. Criteria: Ambry Variant Classification Scheme 2023. Collection method: clinical testing. Allele origin: germline.

Color Diagnostics, LLC DBA Color Health
Classification: Likely benign for Familial thoracic aortic aneurysm and aortic dissection. Last evaluated: 2019-03-22. Review status: criteria provided, single submitter. Criteria: ACMG Guidelines, 2015. Collection method: clinical testing. Allele origin: germline.

GeneDx
Classification: Likely benign. Last evaluated: 2016-10-19. Review status: criteria provided, single submitter. Criteria: GeneDx Variant Classification (06012015). Collection method: clinical testing. Allele origin: germline. Affected: yes.
Comment: This variant is considered likely benign or benign based on one or more of the following criteria: it is a conservative change, it occurs at a poorly conserved position in the protein, it is predicted to be benign by multiple in silico algorithms, and/or has population frequency not consistent with disease.